The following is an entry in ClinVar:

ClinVar aggregate classification (germline): Likely benign. Review status: criteria provided, multiple submitters, no conflicts (2 of 4 stars). 3 submissions from 3 submitters: Likely benign (2). 1 of the submissions does not count toward it. Last evaluated 2025-07-25.

Conditions:
DHCR7-related disorder. Also called: DHCR7-related condition.
Smith-Lemli-Opitz syndrome (SLOS). Also called: LETHAL ACRODYSGENITAL SYNDROME; RUTLEDGE LETHAL MULTIPLE CONGENITAL ANOMALY SYNDROME; POLYDACTYLY, SEX REVERSAL, RENAL HYPOPLASIA, AND UNILOBAR LUNG; RSH SYNDROME; 7-Dehydrocholesterol reductase deficiency. Identifiers: Orphanet 818, MedGen C0175694, MONDO:0010035, OMIM 270400.
Inborn genetic diseases. Identifiers: MedGen C0950123, MeSH D030342.

Allele frequency attached by ClinVar (database versions not stated): gnomAD 0.00003; TOPMed 0.00003; gnomAD exomes 0.00004 and 0.00005; ExAC 0.00005.
gnomAD v4.1: 74 of 1,614,114 alleles (0.0046%); highest among the groups gnomAD compares: African/African-American, 0.0053%; no homozygotes.

Submissions (3):

Labcorp Genetics (formerly Invitae), Labcorp
Classification: Likely benign for Smith-Lemli-Opitz syndrome. Last evaluated: 2025-07-25. Review status: criteria provided, single submitter. Criteria: Invitae Variant Classification Sherloc (09022015). Collection method: clinical testing. Allele origin: germline.

Ambry Genetics
Classification: Likely benign for Inborn genetic diseases. Last evaluated: 2020-12-21. Review status: criteria provided, single submitter. Criteria: Ambry Variant Classification Scheme 2023. Collection method: clinical testing. Allele origin: germline.

PreventionGenetics, part of Exact Sciences
Classification: Likely benign for DHCR7-related condition. Last evaluated: 2022-06-24. Review status: no assertion criteria provided. Collection method: clinical testing. Allele origin: germline. Not counted in ClinVar's aggregate classification.
Comment: This variant is classified as likely benign based on ACMG/AMP sequence variant interpretation guidelines (Richards et al. 2015 PMID: 25741868, with internal and published modifications).

NM_001360.3(DHCR7):c.483C>T (p.Asn161=)

Gene: DHCR7 (7-dehydrocholesterol reductase; minus strand). Cytogenetic location: 11q13.4.
Variant type: single nucleotide variant.
Coding change: c.483C>T on transcript NM_001360.3 (MANE Select); coding-DNA position 483, C replaced by T.
Protein change: p.Asn161=; no amino-acid change (asparagine 161 retained).
Molecular consequence: synonymous variant.
Genome position (GRCh38, 1-based): chr11:71,441,370, G>A on the plus strand (C>T on the coding strand, the complement: DHCR7 is on the minus strand). VCF-style: chr11-71441370-G-A. GRCh37 (hg19) VCF-style: chr11-71152416-G-A.
Other names: c.483C>T, p.Asn161= (NM_001163817.2).
Identifiers: ClinVar variation 702995 (VCV000702995.15), dbSNP rs750628746, ClinGen allele CA6162553.